The following is an entry in ClinVar:

ClinVar aggregate classification (germline): Uncertain significance (1 of 4 stars; one submission).

Conditions:
Episodic ataxia type 2 (EA2). Also called: ATAXIA, EPISODIC, WITH NYSTAGMUS; ATAXIA, FAMILIAL PAROXYSMAL; ACETAZOLAMIDE-RESPONSIVE HEREDITARY PAROXYSMAL CEREBELLAR ATAXIA; CEREBELLAR ATAXIA, PAROXYSMAL, ACETAZOLAMIDE-RESPONSIVE; CEREBELLOPATHY, HEREDITARY PAROXYSMAL; EPISODIC ATAXIA, NYSTAGMUS-ASSOCIATED. Identifiers: Orphanet 97, MedGen C1720416, MONDO:0007163, OMIM 108500.
Developmental and epileptic encephalopathy, 42 (DEE42A). Also called: Epileptic encephalopathy, early infantile, 42; DEVELOPMENTAL AND EPILEPTIC ENCEPHALOPATHY 42A; EPILEPTIC ENCEPHALOPATHY, EARLY INFANTILE, 42A. Identifiers: MedGen C4310716, MONDO:0014917, OMIM 617106.

Submission:

Labcorp Genetics (formerly Invitae), Labcorp
Classification: Uncertain significance for Developmental and epileptic encephalopathy, 42; Episodic ataxia type 2. Last evaluated: 2024-03-03. Review status: criteria provided, single submitter. Criteria: Invitae Variant Classification Sherloc (09022015). Collection method: clinical testing. Allele origin: germline.
Comment: This sequence change replaces alanine, which is neutral and non-polar, with glycine, which is neutral and non-polar, at codon 1691 of the CACNA1A protein (p.Ala1691Gly). This variant is not present in population databases (gnomAD no frequency). This variant has not been reported in the literature in individuals affected with CACNA1A-related conditions. An algorithm developed to predict the effect of missense changes on protein structure and function (PolyPhen-2) suggests that this variant is likely to be tolerated. In summary, the available evidence is currently insufficient to determine the role of this variant in disease. Therefore, it has been classified as a Variant of Uncertain Significance.

NM_001127222.2(CACNA1A):c.5069C>G (p.Ala1690Gly)

Gene: CACNA1A (calcium voltage-gated channel subunit alpha1 A; minus strand). Cytogenetic location: 19p13.13.
Variant type: single nucleotide variant.
Coding change: c.5069C>G on transcript NM_001127222.2 (MANE Select); coding-DNA position 5069, C replaced by G.
Protein change: p.Ala1690Gly; replaces alanine 1690 with glycine.
Molecular consequence: missense variant.
Genome position (GRCh38, 1-based): chr19:13,235,273, G>C on the plus strand (C>G on the coding strand, the complement: CACNA1A is on the minus strand). VCF-style: chr19-13235273-G-C. GRCh37 (hg19) VCF-style: chr19-13346087-G-C.
Other names: c.5087C>G, p.Ala1696Gly (NM_000068.4, NM_023035.3); c.5072C>G, p.Ala1691Gly (NM_001127221.2); c.5078C>G, p.Ala1693Gly (NM_001174080.2); short protein forms A1690G, A1691G, A1693G, A1696G.
Identifiers: ClinVar variation 3754830 (VCV003754830.2).